The following is an entry in ClinVar:

NM_017763.6(RNF43):c.1314C>T (p.Ala438=)

Gene: RNF43 (ring finger protein 43; minus strand). Cytogenetic location: 17q22.
Variant type: single nucleotide variant.
Coding change: c.1314C>T on transcript NM_017763.6 (MANE Select); coding-DNA position 1314, C replaced by T.
Protein change: p.Ala438=; no amino-acid change (alanine 438 retained).
Molecular consequence: synonymous variant.
Genome position (GRCh38, 1-based): chr17:58,358,462, G>A on the plus strand (C>T on the coding strand, the complement: RNF43 is on the minus strand). VCF-style: chr17-58358462-G-A. GRCh37 (hg19) VCF-style: chr17-56435823-G-A.
Other names: c.1314C>T, p.Ala438= (NM_001305544.3, NM_001438820.1, NM_001438821.1 and 1 more transcripts); c.933C>T, p.Ala311= (NM_001305545.2, NM_001437987.1).
Identifiers: ClinVar variation 5042370 (VCV005042370.1).

ClinVar aggregate classification (germline): Benign (1 of 4 stars; one submission).

Conditions:
Sessile serrated polyposis cancer syndrome (SSPCS). Identifiers: Orphanet 157798, MedGen C4310714, MONDO:0014919, OMIM 617108.

Submission:

Myriad Genetics, Inc.
Classification: Benign for Sessile serrated polyposis cancer syndrome. Last evaluated: 2026-07-01. Review status: criteria provided, single submitter. Criteria: Myriad Autosomal Dominant, Autosomal Recessive and X-Linked Classification Criteria (2023). Collection method: clinical testing. Allele origin: unknown.
Comment: This variant is considered benign. This variant is a silent/synonymous amino acid change and it is not expected to impact splicing.